The following is an entry in ClinVar:

ClinVar aggregate classification (germline): Benign (1 of 4 stars; one submission).

Allele frequency attached by ClinVar (database versions not stated): 1000 Genomes Project 0.00120; 1000 Genomes Project 30x 0.00125.
gnomAD v4.1: 125 of 398,590 alleles (0.031%); highest among the groups gnomAD compares: East Asian, 0.071%; no homozygotes.

Submission:

CeGaT Center for Human Genetics Tuebingen
Classification: Benign. Last evaluated: 2026-06-01. Review status: criteria provided, single submitter. Criteria: CeGaT Center For Human Genetics Tuebingen Variant Classification Criteria Version 2. Collection method: clinical testing. Allele origin: germline. Affected: yes. Observed: 3 variant alleles.
Comment: KCNQ1OT1: BS1, BS2

NM_000218.3(KCNQ1):c.1394-16988A>G

Genes: KCNQ1 (potassium voltage-gated channel subfamily Q member 1; plus strand), KCNQ1OT1 (KCNQ1 opposite strand/antisense transcript 1; minus strand). Cytogenetic location: 11p15.5.
Variant type: single nucleotide variant.
Coding change: c.1394-16988A>G on transcript NM_000218.3 (MANE Select); 16988 bases into the intron before coding-DNA position 1394, A replaced by G.
Molecular consequence: intron variant. On other transcripts: non-coding transcript variant (1).
Genome position (GRCh38, 1-based): chr11:2,644,973, A>G. VCF-style: chr11-2644973-A-G. GRCh37 (hg19) VCF-style: chr11-2666203-A-G.
Other names: c.1124-16988A>G (NM_001406837.1); c.1298-16988A>G (NM_001406836.1); c.854-16988A>G (NM_001406838.1); c.1013-16988A>G (NM_181798.2).
Identifiers: ClinVar variation 2641416 (VCV002641416.24), dbSNP rs189933282, ClinGen allele CA216157551.
Genomic context (GRCh38, chr11:2,644,973, plus strand): 5'-GCCAGTCCTCAGGCCCCAGTGGCAGCAGTGGCTGGCCCCGAATGCTTATCCTTGGGCCCA[A>G]TGGTAGTGTATGCTGGTACCAGTGTTAGCAAGTCCAGGGAAACCAATTTTGGGCCTCCAG-3'